The following is an entry in ClinVar:

NM_007272.3(CTRC):c.600G>C (p.Met200Ile)

Gene: CTRC (chymotrypsin C; plus strand). Cytogenetic location: 1p36.21.
Variant type: single nucleotide variant.
Coding change: c.600G>C on transcript NM_007272.3 (MANE Select); coding-DNA position 600, G replaced by C.
Protein change: p.Met200Ile; replaces methionine 200 with isoleucine.
Molecular consequence: missense variant.
Genome position (GRCh38, 1-based): chr1:15,444,712, G>C. VCF-style: chr1-15444712-G-C. GRCh37 (hg19) VCF-style: chr1-15771207-G-C.
Other names: short protein forms M200I.
Identifiers: ClinVar variation 2497352 (VCV002497352.3), dbSNP rs2526301473, ClinGen allele CA338567379.

ClinVar aggregate classification (germline): Uncertain significance (1 of 4 stars; one submission).

Conditions:
Hereditary pancreatitis (PCTT). Also called: Hereditary chronic pancreatitis; PRSS1-Related Hereditary Pancreatitis. Identifiers: Orphanet 676, MedGen C0238339, MONDO:0008185, OMIM 167800.

Submission:

Ambry Genetics
Classification: Uncertain significance for Hereditary pancreatitis. Last evaluated: 2024-12-15. Review status: criteria provided, single submitter. Criteria: Ambry Variant Classification Scheme 2023. Collection method: clinical testing. Allele origin: germline.
Comment: The p.M200I variant (also known as c.600G>C), located in coding exon 6 of the CTRC gene, results from a G to C substitution at nucleotide position 600. The methionine at codon 200 is replaced by isoleucine, an amino acid with highly similar properties. This amino acid position is conserved. In addition, this alteration is predicted to be deleterious by in silico analysis. Since supporting evidence is limited at this time, the clinical significance of this alteration remains unclear.